The following is an entry in ClinVar:

ClinVar aggregate classification (germline): Conflicting classifications of pathogenicity. Review status: criteria provided, conflicting classifications (1 of 4 stars). 4 submissions from 4 submitters: Uncertain significance (1); Likely benign (3). Last evaluated 2025-11-25.

Conditions:
PROM1-related disorder. Also called: PROM1-related condition; PROM1-related disorders.

Allele frequency attached by ClinVar (database versions not stated): gnomAD 0.00007 and 0.00008; TOPMed 0.00007; ESP Exome Variant Server 0.00008; gnomAD exomes 0.00009; ExAC 0.00012.
gnomAD v4.1: 143 of 1,603,692 alleles (0.0089%); highest among the groups gnomAD compares: Non-Finnish European, 0.012%; no homozygotes.

Submissions (4):

PreventionGenetics, part of Exact Sciences
Classification: Likely benign for PROM1-related condition. Last evaluated: 2025-11-25. Review status: criteria provided, single submitter. Criteria: ACMG Guidelines, 2015. Collection method: clinical testing. Allele origin: germline.
Comment: This variant is classified as likely benign based on ACMG/AMP sequence variant interpretation guidelines (Richards et al. 2015 PMID: 25741868, with internal and published modifications).

Labcorp Genetics (formerly Invitae), Labcorp
Classification: Likely benign. Last evaluated: 2025-01-13. Review status: criteria provided, single submitter. Criteria: Invitae Variant Classification Sherloc (09022015). Collection method: clinical testing. Allele origin: germline.

Blueprint Genetics
Classification: Likely benign. Last evaluated: 2024-07-30. Review status: criteria provided, single submitter. Criteria: ACMG Guidelines, 2015. Collection method: clinical testing. Allele origin: germline.

Eurofins Ntd Llc (ga)
Classification: Uncertain significance. Last evaluated: 2016-04-13. Review status: criteria provided, single submitter. Criteria: EGL Classification Definitions 2015. Collection method: clinical testing. Allele origin: germline. Observed: 1 variant allele, 1 heterozygote.

NM_006017.3(PROM1):c.321A>C (p.Ala107=)

Gene: PROM1 (prominin 1; minus strand). Cytogenetic location: 4p15.32.
Variant type: single nucleotide variant.
Coding change: c.321A>C on transcript NM_006017.3 (MANE Select); coding-DNA position 321, A replaced by C.
Protein change: p.Ala107=; no amino-acid change (alanine 107 retained).
Molecular consequence: synonymous variant.
Genome position (GRCh38, 1-based): chr4:16,033,492, T>G on the plus strand (A>C on the coding strand, the complement: PROM1 is on the minus strand). VCF-style: chr4-16033492-T-G. GRCh37 (hg19) VCF-style: chr4-16035115-T-G.
Other names: c.321A>C (NM_006017.2); c.294A>C, p.Ala98= (NM_001145847.2, NM_001145848.2, NM_001145851.2 and 4 more transcripts); c.321A>C, p.Ala107= (NM_001145849.2, NM_001145850.2).
Identifiers: ClinVar variation 287044 (VCV000287044.16), dbSNP rs371975235, ClinGen allele CA2867100.